The following is an entry in ClinVar:

ClinVar aggregate classification (germline): Uncertain significance (1 of 4 stars; one submission).

Conditions:
Immunodeficiency. Identifiers: MedGen C0021051, MONDO:0021094, HP:0002721.

Submission:

Labcorp Genetics (formerly Invitae), Labcorp
Classification: Uncertain significance for Immunodeficiency. Last evaluated: 2025-11-20. Review status: criteria provided, single submitter. Criteria: Invitae Variant Classification Sherloc (09022015). Collection method: clinical testing. Allele origin: germline.
Comment: This sequence change replaces valine, which is neutral and non-polar, with isoleucine, which is neutral and non-polar, at codon 933 of the NFAT5 protein (p.Val933Ile). This variant is not present in population databases (gnomAD no frequency). This variant has not been reported in the literature in individuals affected with NFAT5-related conditions. An algorithm developed to predict the effect of missense changes on protein structure and function (PolyPhen-2) suggests that this variant is likely to be disruptive. In summary, the available evidence is currently insufficient to determine the role of this variant in disease. Therefore, it has been classified as a Variant of Uncertain Significance.

NM_138713.4(NFAT5):c.3079G>A (p.Val1027Ile)

Gene: NFAT5 (nuclear factor of activated T cells 5; plus strand). Cytogenetic location: 16q22.1.
Variant type: single nucleotide variant.
Coding change: c.3079G>A on transcript NM_138713.4 (MANE Select); coding-DNA position 3079, G replaced by A.
Protein change: p.Val1027Ile; replaces valine 1027 with isoleucine.
Molecular consequence: missense variant.
Genome position (GRCh38, 1-based): chr16:69,692,904, G>A. VCF-style: chr16-69692904-G-A. GRCh37 (hg19) VCF-style: chr16-69726807-G-A.
Other names: c.3076G>A, p.Val1026Ile (NM_001113178.3); c.2404G>A, p.Val802Ile (NM_001367709.1); c.3025G>A, p.Val1009Ile (NM_006599.4); c.2797G>A, p.Val933Ile (NM_138714.4, NM_173214.3, NM_173215.3); short protein forms V1026I, V1009I, V1027I, V802I, V933I.
Identifiers: ClinVar variation 4707922 (VCV004707922.1).
Genomic context (GRCh38, chr16:69,692,904, plus strand): 5'-GATGGAGAAGAAACTGGAACACAAGCAAAACAGATTCAGAACAGTGTCTTTCAGACCATG[G>A]TCCAAATGCAACATAGTGGGGACAATCAACCTCAAGTTAACCTTTTTTCATCCACAAAAA-3'
Protein context (NP_619727.2, residues 1017-1037): QIQNSVFQTM[Val1027Ile]QMQHSGDNQP